The following is an entry in ClinVar:

NM_001110556.2(FLNA):c.4799A>G (p.His1600Arg)

Gene: FLNA (filamin A; minus strand). Cytogenetic location: Xq28.
Variant type: single nucleotide variant.
Coding change: c.4799A>G on transcript NM_001110556.2 (MANE Select); coding-DNA position 4799, A replaced by G.
Protein change: p.His1600Arg; replaces histidine 1600 with arginine.
Molecular consequence: missense variant.
Genome position (GRCh38, 1-based): chrX:154,357,580, T>C on the plus strand (A>G on the coding strand, the complement: FLNA is on the minus strand). VCF-style: chrX-154357580-T-C. GRCh37 (hg19) VCF-style: chrX-153585948-T-C.
Other names: c.4799A>G, p.His1600Arg (NM_001456.4); short protein forms H1600R.
Identifiers: ClinVar variation 3391774 (VCV003391774.1).

ClinVar aggregate classification (germline): Uncertain significance (1 of 4 stars; one submission).

Submission:

GeneDx
Classification: Uncertain significance. Last evaluated: 2024-06-18. Review status: criteria provided, single submitter. Criteria: GeneDx Variant Classification Process June 2021. Collection method: clinical testing. Allele origin: germline. Affected: yes.
Comment: Not observed at significant frequency in large population cohorts (gnomAD); In silico analysis indicates that this missense variant does not alter protein structure/function; Has not been previously published as pathogenic or benign to our knowledge